The following is an entry in ClinVar:

NM_194248.3(OTOF):c.5193-2A>C

Gene: OTOF (otoferlin; minus strand). Cytogenetic location: 2p23.3.
Variant type: single nucleotide variant.
Coding change: c.5193-2A>C on transcript NM_194248.3 (MANE Select); the canonical splice acceptor site of the intron before coding-DNA position 5193, A replaced by C.
Molecular consequence: splice acceptor variant.
Genome position (GRCh38, 1-based): chr2:26,462,183, T>G on the plus strand (A>C on the coding strand, the complement: OTOF is on the minus strand). VCF-style: chr2-26462183-T-G. GRCh37 (hg19) VCF-style: chr2-26685051-T-G.
Other names: c.5193-2A>C (NM_001287489.2); c.2892-2A>C (NM_194323.3, NM_004802.4); c.3123-2A>C (NM_194322.3).
Identifiers: ClinVar variation 4281268 (VCV004281268.7).

ClinVar aggregate classification (germline): Uncertain significance (1 of 4 stars; one submission).

Submission:

CeGaT Center for Human Genetics Tuebingen
Classification: Uncertain significance. Last evaluated: 2025-09-01. Review status: criteria provided, single submitter. Criteria: CeGaT Center For Human Genetics Tuebingen Variant Classification Criteria Version 2. Collection method: clinical testing. Allele origin: germline. Affected: yes. Observed: 1 variant allele.
Comment: OTOF: PM2, PVS1:Moderate